The following is an entry in ClinVar:

ClinVar aggregate classification (germline): Uncertain significance (1 of 4 stars; one submission).

Allele frequency attached by ClinVar (database versions not stated): gnomAD exomes below 0.00001; ExAC 0.00001.
gnomAD v4.1: 4 of 1,613,452 alleles (0.00025%); highest among the groups gnomAD compares: South Asian, 0.0033%; 1 homozygote.

Submission:

GeneDx
Classification: Uncertain significance. Last evaluated: 2023-08-22. Review status: criteria provided, single submitter. Criteria: GeneDx Variant Classification Process June 2021. Collection method: clinical testing. Allele origin: germline. Affected: yes.
Comment: Not observed at significant frequency in large population cohorts (gnomAD); In silico analysis supports that this missense variant has a deleterious effect on protein structure/function; Has not been previously published as pathogenic or benign to our knowledge

NM_001145809.2(MYH14):c.4592G>A (p.Arg1531Gln)

Gene: MYH14 (myosin heavy chain 14; plus strand). Cytogenetic location: 19q13.33.
Variant type: single nucleotide variant.
Coding change: c.4592G>A on transcript NM_001145809.2 (MANE Select); coding-DNA position 4592, G replaced by A.
Protein change: p.Arg1531Gln; replaces arginine 1531 with glutamine.
Molecular consequence: missense variant.
Genome position (GRCh38, 1-based): chr19:50,286,534, G>A. VCF-style: chr19-50286534-G-A. GRCh37 (hg19) VCF-style: chr19-50789791-G-A.
Other names: c.4493G>A, p.Arg1498Gln (NM_001077186.2); c.4469G>A, p.Arg1490Gln (NM_024729.4); short protein forms R1490Q, R1498Q, R1531Q.
Identifiers: ClinVar variation 2572838 (VCV002572838.3), dbSNP rs768724541, ClinGen allele CA9593554.